The following is an entry in ClinVar:

ClinVar aggregate classification (germline): Likely benign. Review status: criteria provided, single submitter (1 of 4 stars). 2 submissions from 2 submitters: Likely benign (1). 1 of the submissions does not count toward it. Last evaluated 2024-02-24.

Conditions:
IFT74-related disorder. Also called: IFT74-Related Disorders; IFT74-related condition.

Submissions (2):

Labcorp Genetics (formerly Invitae), Labcorp
Classification: Likely benign. Last evaluated: 2024-02-24. Review status: criteria provided, single submitter. Criteria: Invitae Variant Classification Sherloc (09022015). Collection method: clinical testing. Allele origin: germline.

PreventionGenetics, part of Exact Sciences
Classification: Likely benign for IFT74-related condition. Last evaluated: 2022-09-13. Review status: no assertion criteria provided. Collection method: clinical testing. Allele origin: germline. Not counted in ClinVar's aggregate classification.
Comment: This variant is classified as likely benign based on ACMG/AMP sequence variant interpretation guidelines (Richards et al. 2015 PMID: 25741868, with internal and published modifications).

NM_025103.4(IFT74):c.306-5A>G

Gene: IFT74 (intraflagellar transport 74; plus strand). Cytogenetic location: 9p21.2.
Variant type: single nucleotide variant.
Coding change: c.306-5A>G on transcript NM_025103.4 (MANE Select); 5 bases into the intron before coding-DNA position 306, A replaced by G.
Molecular consequence: intron variant.
Genome position (GRCh38, 1-based): chr9:26,984,252, A>G. VCF-style: chr9-26984252-A-G. GRCh37 (hg19) VCF-style: chr9-26984250-A-G.
Other names: c.306-5A>G (NM_025103.2, NM_001099223.3, NM_001099222.3 and 2 more transcripts).
Identifiers: ClinVar variation 1627232 (VCV001627232.10), dbSNP rs2131540949, ClinGen allele CA2573143690.
Genomic context (GRCh38, chr9:26,984,252, plus strand): 5'-ATTTTGCTTAACTAGAGTTTTCTGGATTAAAAGTATTGCTGACATTCTTATTTCTTTTCT[A>G]ATAGAAGTAAAATAAGTGAACTTACAACTGAAGTTAATAAACTTCAGAAGGGAATAGAAA-3'